The following is an entry in ClinVar:

ClinVar aggregate classification (germline): Benign/Likely benign. Review status: criteria provided, multiple submitters, no conflicts (2 of 4 stars). 5 submissions from 5 submitters: Benign (1); Likely benign (1). 3 of the submissions do not count toward it. Last evaluated 2026-01-14.

Conditions:
DTNBP1-related disorder. Also called: DTNBP1-related condition.

Allele frequency attached by ClinVar (database versions not stated): TOPMed 0.00002; gnomAD 0.00016; gnomAD exomes 0.00028 and 0.00056; 1000 Genomes Project 0.00060; 1000 Genomes Project 30x 0.00062; ExAC 0.00063.
gnomAD v4.1: 447 of 1,614,184 alleles (0.028%); highest among the groups gnomAD compares: South Asian, 0.46%; 6 homozygotes.

Submissions (5):

Labcorp Genetics (formerly Invitae), Labcorp
Classification: Benign. Last evaluated: 2026-01-14. Review status: criteria provided, single submitter. Criteria: Invitae Variant Classification Sherloc (09022015). Collection method: clinical testing. Allele origin: germline.

Blueprint Genetics
Classification: Likely benign. Last evaluated: 2024-10-02. Review status: criteria provided, single submitter. Criteria: ACMG Guidelines, 2015. Collection method: clinical testing. Allele origin: germline.

PreventionGenetics, part of Exact Sciences
Classification: Likely benign for DTNBP1-related condition. Last evaluated: 2019-09-12. Review status: no assertion criteria provided. Collection method: clinical testing. Allele origin: germline. Not counted in ClinVar's aggregate classification.
Comment: This variant is classified as likely benign based on ACMG/AMP sequence variant interpretation guidelines (Richards et al. 2015 PMID: 25741868, with internal and published modifications).

Clinical Genetics DNA and cytogenetics Diagnostics Lab, Erasmus MC, Erasmus Medical Center
Classification: Likely benign. Review status: no assertion criteria provided. Collection method: clinical testing. Allele origin: germline. Affected: yes. Study: VKGL Data-share Consensus. Not counted in ClinVar's aggregate classification.

Clinical Genetics, Academic Medical Center
Classification: Likely benign. Review status: no assertion criteria provided. Collection method: clinical testing. Allele origin: germline. Affected: yes. Study: VKGL Data-share Consensus. Not counted in ClinVar's aggregate classification.

NM_032122.5(DTNBP1):c.438A>G (p.Arg146=)

Gene: DTNBP1 (dystrobrevin binding protein 1; minus strand). Cytogenetic location: 6p22.3.
Variant type: single nucleotide variant.
Coding change: c.438A>G on transcript NM_032122.5 (MANE Select); coding-DNA position 438, A replaced by G.
Protein change: p.Arg146=; no amino-acid change (arginine 146 retained).
Molecular consequence: synonymous variant. On other transcripts: non-coding transcript variant (1).
Genome position (GRCh38, 1-based): chr6:15,615,317, T>C on the plus strand (A>G on the coding strand, the complement: DTNBP1 is on the minus strand). VCF-style: chr6-15615317-T-C. GRCh37 (hg19) VCF-style: chr6-15615548-T-C.
Other names: c.195A>G, p.Arg65= (NM_001271667.2); c.387A>G, p.Arg129= (NM_001271668.2); c.333A>G, p.Arg111= (NM_001271669.2); c.438A>G, p.Arg146= (NM_183040.2).
Identifiers: ClinVar variation 1284787 (VCV001284787.14), dbSNP rs369015562, ClinGen allele CA3644133.